The following is an entry in ClinVar:

NM_001018005.2(TPM1):c.682C>G (p.Leu228Val)

Gene: TPM1 (tropomyosin 1; plus strand). Cytogenetic location: 15q22.2.
Variant type: single nucleotide variant.
Coding change: c.682C>G on transcript NM_001018005.2 (MANE Select); coding-DNA position 682, C replaced by G.
Protein change: p.Leu228Val; replaces leucine 228 with valine.
Molecular consequence: missense variant. On other transcripts: non-coding transcript variant (17).
Genome position (GRCh38, 1-based): chr15:63,062,257, C>G. VCF-style: chr15-63062257-C-G. GRCh37 (hg19) VCF-style: chr15-63354456-C-G.
Other names: c.682C>G, p.Leu228Val (NM_000366.6, NM_001018004.2, NM_001018006.2 and 20 more transcripts); c.574C>G, p.Leu192Val (NM_001018008.2, NM_001301289.2, NM_001330344.2 and 9 more transcripts); c.808C>G, p.Leu270Val (NM_001365778.1, NM_001407322.1, NM_001407323.1 and 1 more transcripts); short protein forms L192V, L228V, L270V.
Identifiers: ClinVar variation 3073997 (VCV003073997.1), dbSNP rs2542842524, ClinGen allele CA392724479.

ClinVar aggregate classification (germline): Uncertain significance (1 of 4 stars; one submission).

Conditions:
Hypertrophic cardiomyopathy. Also called: HYPERTROPHIC MYOCARDIOPATHY. Identifiers: Orphanet 217569, MedGen C0007194, MeSH D002312, MONDO:0005045, HP:0001639.

Submission:

All of Us Research Program, National Institutes of Health
Classification: Uncertain significance for Hypertrophic cardiomyopathy. Last evaluated: 2023-11-30. Review status: criteria provided, single submitter. Criteria: ACMG Guidelines, 2015. Collection method: clinical testing. Allele origin: germline. Inheritance: Autosomal dominant inheritance. Observed: 1 variant allele, 1 heterozygote.
Comment: This study involves interpretation of variants in research participants for the purpose of population health screening. Participant phenotype was not available at the time of variant classification. Additional details can be found in publication PMID: 35346344, PMCID: PMC8962531